The following is an entry in ClinVar:

NM_004360.5(CDH1):c.1951A>G (p.Ile651Val)

Gene: CDH1 (cadherin 1; plus strand). Cytogenetic location: 16q22.1.
Variant type: single nucleotide variant.
Coding change: c.1951A>G on transcript NM_004360.5 (MANE Select); coding-DNA position 1951, A replaced by G.
Protein change: p.Ile651Val; replaces isoleucine 651 with valine.
Molecular consequence: missense variant. On other transcripts: 5 prime UTR variant (1).
Genome position (GRCh38, 1-based): chr16:68,823,413, A>G. VCF-style: chr16-68823413-A-G. GRCh37 (hg19) VCF-style: chr16-68857316-A-G.
Other names: c.1951A>G (LRG_301t1); c.1768A>G, p.Ile590Val (NM_001317184.2); c.403A>G, p.Ile135Val (NM_001317185.2); c.-15A>G (NM_001317186.2); short protein forms I651V, I590V, I135V.
Identifiers: ClinVar variation 233583 (VCV000233583.17), dbSNP rs876660503, ClinGen allele CA10580140.

ClinVar aggregate classification (germline): Conflicting classifications of pathogenicity. Review status: criteria provided, conflicting classifications (1 of 4 stars). 4 submissions from 4 submitters: Uncertain significance (3); Benign (1). Last evaluated 2025-10-01.

Conditions:
CDH1-related diffuse gastric and lobular breast cancer syndrome. Also called: CDH1-related diffuse gastric and lobular breast cancer. Identifiers: MedGen CN311521, MONDO:0100488.
Hereditary cancer-predisposing syndrome. Also called: Tumor predisposition; Hereditary Cancer Syndrome; Hereditary neoplastic syndrome; Neoplastic Syndromes, Hereditary. Identifiers: Orphanet 140162, MedGen C0027672, MeSH D009386, MONDO:0015356.
Hereditary diffuse gastric adenocarcinoma (HDGC). Also called: DIFFUSE GASTRIC AND LOBULAR BREAST CANCER SYNDROME. Identifiers: Orphanet 26106, MedGen C1708349, MONDO:0007648, OMIM 137215.

Allele frequency attached by ClinVar (database versions not stated): gnomAD exomes below 0.00001.
gnomAD v4.1: 1 of 1,612,636 alleles (0.000062%); highest among the groups gnomAD compares: Non-Finnish European, 0.000085%; no homozygotes.

Submissions (4):

Labcorp Genetics (formerly Invitae), Labcorp
Classification: Uncertain significance for Hereditary diffuse gastric adenocarcinoma. Last evaluated: 2025-10-01. Review status: criteria provided, single submitter. Criteria: Invitae Variant Classification Sherloc (09022015). Collection method: clinical testing. Allele origin: germline.
Comment: This sequence change replaces isoleucine, which is neutral and non-polar, with valine, which is neutral and non-polar, at codon 651 of the CDH1 protein (p.Ile651Val). This variant is not present in population databases (gnomAD no frequency). This variant has not been reported in the literature in individuals affected with CDH1-related conditions. ClinVar contains an entry for this variant (Variation ID: 233583). An algorithm developed to predict the effect of missense changes on protein structure and function outputs the following: PolyPhen-2: "Benign". The valine amino acid residue is found in multiple mammalian species, which suggests that this missense change does not adversely affect protein function. In summary, the available evidence is currently insufficient to determine the role of this variant in disease. Therefore, it has been classified as a Variant of Uncertain Significance.

Ambry Genetics
Classification: Benign for Hereditary cancer-predisposing syndrome. Last evaluated: 2025-06-24. Review status: criteria provided, single submitter. Criteria: Ambry Variant Classification Scheme 2023. Collection method: clinical testing. Allele origin: germline.

GeneDx
Classification: Uncertain significance. Last evaluated: 2024-08-09. Review status: criteria provided, single submitter. Criteria: GeneDx Variant Classification Process June 2021. Collection method: clinical testing. Allele origin: germline. Affected: yes.
Comment: Not observed at significant frequency in large population cohorts (gnomAD); In silico analysis indicates that this missense variant does not alter protein structure/function; Has not been previously published as pathogenic or benign to our knowledge; This variant is associated with the following publications: (PMID: 15235021, 22850631)

Department of Pathology and Laboratory Medicine, Sinai Health System
Classification: Uncertain significance for CDH1-related diffuse gastric and lobular breast cancer syndrome. Last evaluated: 2024-05-09. Review status: criteria provided, single submitter. Criteria: ACMG Guidelines, 2015. Collection method: clinical testing. Allele origin: germline. Affected: no.